The following is an entry in ClinVar:

NM_005670.4(EPM2A):c.736C>T (p.Pro246Ser)

Gene: EPM2A (EPM2A glucan phosphatase, laforin; minus strand). Cytogenetic location: 6q24.3.
Variant type: single nucleotide variant.
Coding change: c.736C>T on transcript NM_005670.4 (MANE Select); coding-DNA position 736, C replaced by T.
Protein change: p.Pro246Ser; replaces proline 246 with serine.
Molecular consequence: missense variant. On other transcripts: non-coding transcript variant (1).
Genome position (GRCh38, 1-based): chr6:145,627,676, G>A on the plus strand (C>T on the coding strand, the complement: EPM2A is on the minus strand). VCF-style: chr6-145627676-G-A. GRCh37 (hg19) VCF-style: chr6-145948812-G-A.
Other names: c.736C>T, p.Pro246Ser (NM_001018041.2); c.494C>T, p.Ala165Val (NM_001360057.2); c.322C>T, p.Pro108Ser (NM_001360064.2, NM_001360071.2, NM_001368131.1); c.274C>T, p.Pro92Ser (NM_001368129.2, NM_001368132.1); short protein forms P246S, A165V, P108S, P92S.
Identifiers: ClinVar variation 377059 (VCV000377059.21), dbSNP rs141975071, ClinGen allele CA4035092.

ClinVar aggregate classification (germline): Uncertain significance. Review status: criteria provided, multiple submitters, no conflicts (2 of 4 stars). 6 submissions from 6 submitters: Uncertain significance (5). 1 of the submissions does not count toward it. Last evaluated 2025-08-16.

Conditions:
Inborn genetic diseases. Identifiers: MedGen C0950123, MeSH D030342.
Progressive myoclonic epilepsy. Also called: Familial progressive myoclonic epilepsy; Myoclonus epilepsy; Progressive myoclonus epilepsy; Myoclonic Epilepsies, Progressive. Identifiers: Orphanet 308, Orphanet 98261, MedGen C0751778, MONDO:0020074.

Allele frequency attached by ClinVar (database versions not stated): gnomAD exomes 0.00012 and 0.00021; TOPMed 0.00013; gnomAD 0.00016; ExAC 0.00028; ESP Exome Variant Server 0.00031.
gnomAD v4.1: 206 of 1,614,000 alleles (0.013%); highest among the groups gnomAD compares: Non-Finnish European, 0.015%; no homozygotes.

Submissions (6):

GeneDx
Classification: Uncertain significance. Last evaluated: 2025-08-16. Review status: criteria provided, single submitter. Criteria: GeneDx Variant Classification Process June 2021. Collection method: clinical testing. Allele origin: germline. Affected: yes.
Comment: In silico analysis supports that this missense variant has a deleterious effect on protein structure/function; Has not been previously published as pathogenic or benign to our knowledge; This variant is associated with the following publications: (PMID: 17879451)

Blueprint Genetics
Classification: Uncertain significance. Last evaluated: 2024-10-18. Review status: criteria provided, single submitter. Criteria: ACMG Guidelines, 2015. Collection method: clinical testing. Allele origin: germline.

Labcorp Genetics (formerly Invitae), Labcorp
Classification: Uncertain significance for Progressive myoclonic epilepsy. Last evaluated: 2022-10-04. Review status: criteria provided, single submitter. Criteria: Invitae Variant Classification Sherloc (09022015). Collection method: clinical testing. Allele origin: germline.
Comment: This sequence change replaces proline, which is neutral and non-polar, with serine, which is neutral and polar, at codon 246 of the EPM2A protein (p.Pro246Ser). This variant is present in population databases (rs141975071, gnomAD 0.04%). This variant has not been reported in the literature in individuals affected with EPM2A-related conditions. ClinVar contains an entry for this variant (Variation ID: 377059). Algorithms developed to predict the effect of missense changes on protein structure and function (SIFT, PolyPhen-2, Align-GVGD) all suggest that this variant is likely to be disruptive. In summary, the available evidence is currently insufficient to determine the role of this variant in disease. Therefore, it has been classified as a Variant of Uncertain Significance.

Ambry Genetics
Classification: Uncertain significance for Inborn genetic diseases. Last evaluated: 2017-10-27. Review status: criteria provided, single submitter. Criteria: Ambry Variant Classification Scheme 2023. Collection method: clinical testing. Allele origin: germline.
Comment: The p.P246S variant (also known as c.736C>T), located in coding exon 4 of the EPM2A gene, results from a C to T substitution at nucleotide position 736. The proline at codon 246 is replaced by serine, an amino acid with similar properties. This amino acid position is highly conserved in available vertebrate species. In addition, this alteration is predicted to be deleterious by in silico analysis. Since supporting evidence is limited at this time, the clinical significance of this alteration remains unclear.

Center for Pediatric Genomic Medicine, Children's Mercy Hospital and Clinics
Classification: Uncertain significance. Last evaluated: 2016-09-02. Review status: criteria provided, single submitter. Criteria: ACMG Guidelines, 2015. Collection method: clinical testing. Allele origin: germline.
ClinVar note: Converted during submission from Uncertain Significance to Uncertain significance.

Mayo Clinic Laboratories, Mayo Clinic
Classification: Uncertain significance. Last evaluated: 2017-11-22. Review status: no assertion criteria provided. Collection method: clinical testing. Allele origin: unknown. Not counted in ClinVar's aggregate classification.